The following is an entry in ClinVar:

ClinVar aggregate classification (germline): Uncertain significance (1 of 4 stars; one submission).

Submission:

GeneDx
Classification: Uncertain significance. Last evaluated: 2025-06-09. Review status: criteria provided, single submitter. Criteria: GeneDx Variant Classification Process June 2021. Collection method: clinical testing. Allele origin: germline. Affected: yes.
Comment: Not observed at significant frequency in large population cohorts (gnomAD); In silico analysis supports that this missense variant has a deleterious effect on protein structure/function; Has not been previously published as pathogenic or benign to our knowledge

NM_002739.5(PRKCG):c.1730C>G (p.Ser577Trp)

Gene: PRKCG (protein kinase C gamma; plus strand). Cytogenetic location: 19q13.42.
Variant type: single nucleotide variant.
Coding change: c.1730C>G on transcript NM_002739.5 (MANE Select); coding-DNA position 1730, C replaced by G.
Protein change: p.Ser577Trp; replaces serine 577 with tryptophan.
Molecular consequence: missense variant.
Genome position (GRCh38, 1-based): chr19:53,904,708, C>G. VCF-style: chr19-53904708-C-G. GRCh37 (hg19) VCF-style: chr19-54407962-C-G.
Other names: c.1730C>G, p.Ser577Trp (NM_001316329.2); short protein forms S577W.
Identifiers: ClinVar variation 4538091 (VCV004538091.1).